The following is an entry in ClinVar:

NM_001875.5(CPS1):c.3632C>G (p.Pro1211Arg)

Gene: CPS1 (carbamoyl-phosphate synthase 1; plus strand). Cytogenetic location: 2q34.
Variant type: single nucleotide variant.
Coding change: c.3632C>G on transcript NM_001875.5 (MANE Select); coding-DNA position 3632, C replaced by G.
Protein change: p.Pro1211Arg; replaces proline 1211 with arginine.
Molecular consequence: missense variant. On other transcripts: non-coding transcript variant (2).
Genome position (GRCh38, 1-based): chr2:210,656,598, C>G. VCF-style: chr2-210656598-C-G. GRCh37 (hg19) VCF-style: chr2-211521322-C-G.
Other names: c.3632C>G, p.Pro1211Arg (NM_001122633.3, NM_001369257.1); c.3665C>G, p.Pro1222Arg (NM_001369256.1); short protein forms P1211R, P1222R.
Identifiers: ClinVar variation 3768623 (VCV003768623.1).

ClinVar aggregate classification (germline): Uncertain significance (1 of 4 stars; one submission).

Submission:

Women's Health and Genetics/Laboratory Corporation of America, LabCorp
Classification: Uncertain significance. Last evaluated: 2025-02-10. Review status: criteria provided, single submitter. Criteria: LabCorp Variant Classification Summary - May 2015. Collection method: clinical testing. Allele origin: germline.
Comment: Variant summary: CPS1 c.3632C>G (p.Pro1211Arg) results in a non-conservative amino acid change located in the Carbamoyl-phosphate synthetase large subunit-like, ATP-binding domain (IPR005479) of the encoded protein sequence. Five of five in-silico tools predict a damaging effect of the variant on protein function. The variant was absent in 251468 control chromosomes. c.3632C>G has been reported in the literature in a homozygous individual affected with Carbamoylphosphate Synthetase I Deficiency (Yap_2019). These data indicate that the variant may be associated with disease. At least one publication reports experimental evidence evaluating an impact on protein function. The most pronounced variant effect resulted in approximately 50% of wildtype enzyme activity (Yap_2019). The following publication has been ascertained in the context of this evaluation (PMID: 31392111). No submitters have cited clinical-significance assessments for this variant to ClinVar. Based on the evidence outlined above, the variant was classified as VUS-possibly pathogenic.

Literature cited by the submitters: PubMed 31392111.